The following is an entry in ClinVar:

ClinVar aggregate classification (germline): Uncertain significance. Review status: criteria provided, multiple submitters, no conflicts (2 of 4 stars). 2 submissions from 2 submitters: Uncertain significance (2). Last evaluated 2025-10-13.

Conditions:
Fanconi anemia complementation group J. Also called: BRIP1-Related Fanconi Anemia. Identifiers: Orphanet 84, MedGen C1836860, MONDO:0012187, OMIM 609054.
Familial cancer of breast. Also called: hereditary breast carcinoma; BREAST CANCER, FAMILIAL; Hereditary breast cancer. Identifiers: Orphanet 227535, MedGen C0346153, MONDO:0016419, OMIM 114480. Disease mechanism: loss of function.
Hereditary cancer-predisposing syndrome. Also called: Hereditary neoplastic syndrome; Neoplastic Syndromes, Hereditary; Tumor predisposition; Hereditary Cancer Syndrome. Identifiers: Orphanet 140162, MedGen C0027672, MeSH D009386, MONDO:0015356.

Submissions (2):

Labcorp Genetics (formerly Invitae), Labcorp
Classification: Uncertain significance for Familial cancer of breast; Fanconi anemia complementation group J. Last evaluated: 2025-10-13. Review status: criteria provided, single submitter. Criteria: Invitae Variant Classification Sherloc (09022015). Collection method: clinical testing. Allele origin: germline.
Comment: This sequence change replaces valine, which is neutral and non-polar, with isoleucine, which is neutral and non-polar, at codon 1213 of the BRIP1 protein (p.Val1213Ile). This variant is not present in population databases (gnomAD no frequency). This variant has not been reported in the literature in individuals affected with BRIP1-related conditions. ClinVar contains an entry for this variant (Variation ID: 1979356). Invitae Evidence Modeling of protein sequence and biophysical properties (such as structural, functional, and spatial information, amino acid conservation, physicochemical variation, residue mobility, and thermodynamic stability) indicates that this missense variant is not expected to disrupt BRIP1 protein function with a negative predictive value of 95%. In summary, the available evidence is currently insufficient to determine the role of this variant in disease. Therefore, it has been classified as a Variant of Uncertain Significance.

Ambry Genetics
Classification: Uncertain significance for Hereditary cancer-predisposing syndrome. Last evaluated: 2025-02-21. Review status: criteria provided, single submitter. Criteria: Ambry Variant Classification Scheme 2023. Collection method: clinical testing. Allele origin: germline.
Comment: The p.V1213I variant (also known as c.3637G>A), located in coding exon 19 of the BRIP1 gene, results from a G to A substitution at nucleotide position 3637. The valine at codon 1213 is replaced by isoleucine, an amino acid with highly similar properties. This amino acid position is conserved. In addition, this alteration is predicted to be tolerated by in silico analysis. Since supporting evidence is limited at this time, the clinical significance of this alteration remains unclear.

NM_032043.3(BRIP1):c.3637G>A (p.Val1213Ile)

Gene: BRIP1 (BRCA1 interacting DNA helicase 1; minus strand). Cytogenetic location: 17q23.2.
Variant type: single nucleotide variant.
Coding change: c.3637G>A on transcript NM_032043.3 (MANE Select); coding-DNA position 3637, G replaced by A.
Protein change: p.Val1213Ile; replaces valine 1213 with isoleucine.
Molecular consequence: missense variant.
Genome position (GRCh38, 1-based): chr17:61,683,409, C>T on the plus strand (G>A on the coding strand, the complement: BRIP1 is on the minus strand). VCF-style: chr17-61683409-C-T. GRCh37 (hg19) VCF-style: chr17-59760770-C-T.
Other names: short protein forms V1213I.
Identifiers: ClinVar variation 1979356 (VCV001979356.6), dbSNP rs2144069166, ClinGen allele CA400477932.